The following is an entry in ClinVar:

ClinVar aggregate classification (germline): Uncertain significance. Review status: criteria provided, multiple submitters, no conflicts (2 of 4 stars). 4 submissions from 4 submitters: Uncertain significance (4). Last evaluated 2026-02-06.

Conditions:
Cardiovascular phenotype. Identifiers: MedGen CN230736.
Cardiac arrhythmia. Also called: Cardiac rhythm disease; Arrhythmia. Identifiers: MedGen C0003811, MONDO:0007263, HP:0011675.
Long QT syndrome (LQTS). Identifiers: MedGen C0023976, MeSH D008133, MONDO:0002442. Disease mechanism: loss of function. Inheritance: Various modes of inheritance.

Allele frequency attached by ClinVar (database versions not stated): ExAC 0.00001; gnomAD exomes 0.00001; gnomAD 0.00003; TOPMed 0.00003.
gnomAD v4.1: 19 of 1,612,006 alleles (0.0012%); highest among the groups gnomAD compares: Admixed American, 0.0017%; no homozygotes.

Submissions (4):

Ambry Genetics
Classification: Uncertain significance for Cardiovascular phenotype. Last evaluated: 2026-02-06. Review status: criteria provided, single submitter. Criteria: Ambry Variant Classification Scheme 2023. Collection method: clinical testing. Allele origin: germline.
Comment: The p.G460D variant (also known as c.1379G>A), located in coding exon 10 of the KCNQ1 gene, results from a G to A substitution at nucleotide position 1379. The glycine at codon 460 is replaced by aspartic acid, an amino acid with similar properties. This variant was reported in individual(s) with features consistent with arrhythmia (Kotta MC et al. J Am Heart Assoc, 2023 Sep;12:e029100; Raju H et al. BMC Cardiovasc Disord, 2019 Jul;19:174; Fedida J et al. PLoS One, 2017 Aug;12:e0181840). This amino acid position is well conserved in available vertebrate species. In addition, the in silico prediction for this alteration is inconclusive. Based on the available evidence, the clinical significance of this variant remains unclear.

All of Us Research Program, National Institutes of Health
Classification: Uncertain significance for Long QT syndrome. Last evaluated: 2024-03-24. Review status: criteria provided, single submitter. Criteria: ACMG Guidelines, 2015. Collection method: clinical testing. Allele origin: germline. Inheritance: Autosomal dominant inheritance. Observed: 2 variant alleles, 2 heterozygotes.
Comment: This missense variant replaces glycine with aspartic acid at codon 460 of the KCNQ1 protein. Computational prediction is inconclusive regarding the impact of this variant on protein structure and function (internally defined REVEL score threshold 0.5 < inconclusive < 0.7, PMID: 27666373). To our knowledge, functional studies have not been reported for this variant. This variant has been reported in an individual affected with sudden arrhythmic death syndrome (PMID: 31337358) and in another individual affected with sudden unexplained death in childhood (SUDC) (PMID: 37589201). This variant has been identified in 3/248988 chromosomes in the general population by the Genome Aggregation Database (gnomAD). The available evidence is insufficient to determine the role of this variant in disease conclusively. Therefore, this variant is classified as a Variant of Uncertain Significance.

This study involves interpretation of variants in research participants for the purpose of population health screening. Participant phenotype was not available at the time of variant classification. Additional details can be found in publication PMID: 35346344, PMCID: PMC8962531

Color Diagnostics, LLC DBA Color Health
Classification: Uncertain significance for Cardiac arrhythmia. Last evaluated: 2024-02-15. Review status: criteria provided, single submitter. Criteria: ACMG Guidelines, 2015. Collection method: clinical testing. Allele origin: germline.
Comment: This missense variant replaces glycine with aspartic acid at codon 460 of the KCNQ1 protein. Computational prediction is inconclusive regarding the impact of this variant on protein structure and function (internally defined REVEL score threshold 0.5 < inconclusive < 0.7, PMID: 27666373). To our knowledge, functional studies have not been reported for this variant. This variant has been reported in an individual affected with sudden arrhythmic death syndrome (PMID: 31337358) and in another individual affected with sudden unexplained death in childhood (SUDC) (PMID: 37589201). This variant has been identified in 3/248988 chromosomes in the general population by the Genome Aggregation Database (gnomAD). The available evidence is insufficient to determine the role of this variant in disease conclusively. Therefore, this variant is classified as a Variant of Uncertain Significance.

GeneDx
Classification: Uncertain significance. Last evaluated: 2020-09-16. Review status: criteria provided, single submitter. Criteria: GeneDx Variant Classification Process June 2021. Collection method: clinical testing. Allele origin: germline. Affected: yes.
Comment: Reported in a patient with sudden arrhythmic death syndrome (SADS) (Raju et al., 2019); however, specific clinical information was not provided; Reported in ClinVar as a variant of uncertain significance (ClinVar Variant ID# 919916; Landrum et al., 2016); Not observed at a significant frequency in large population cohorts (Lek et al., 2016); In silico analysis, which includes protein predictors and evolutionary conservation, supports that this variant does not alter protein structure/function; This variant is associated with the following publications: (PMID: 31337358)

Literature cited by the submitters: PubMed 28767663 (cited by Ambry Genetics); PubMed 31337358 (cited by 3 submitters); PubMed 37589201 (cited by 3 submitters).

NM_000218.3(KCNQ1):c.1379G>A (p.Gly460Asp)

Gene: KCNQ1 (potassium voltage-gated channel subfamily Q member 1; plus strand). Cytogenetic location: 11p15.5.
Variant type: single nucleotide variant.
Coding change: c.1379G>A on transcript NM_000218.3 (MANE Select); coding-DNA position 1379, G replaced by A.
Protein change: p.Gly460Asp; replaces glycine 460 with aspartic acid.
Molecular consequence: missense variant.
Genome position (GRCh38, 1-based): chr11:2,588,840, G>A. VCF-style: chr11-2588840-G-A. GRCh37 (hg19) VCF-style: chr11-2610070-G-A.
Other names: c.1283G>A, p.Gly428Asp (NM_001406836.1); c.1109G>A, p.Gly370Asp (NM_001406837.1); c.839G>A, p.Gly280Asp (NM_001406838.1); c.998G>A, p.Gly333Asp (NM_181798.2); short protein forms G333D, G460D, G280D, G428D, G370D.
Identifiers: ClinVar variation 919916 (VCV000919916.13), dbSNP rs770410327, ClinGen allele CA029037.